The following is an entry in ClinVar:

NM_001036.6(RYR3):c.9566C>A (p.Ala3189Asp)

Gene: RYR3 (ryanodine receptor 3; plus strand). Cytogenetic location: 15q14.
Variant type: single nucleotide variant.
Coding change: c.9566C>A on transcript NM_001036.6 (MANE Select); coding-DNA position 9566, C replaced by A.
Protein change: p.Ala3189Asp; replaces alanine 3189 with aspartic acid.
Molecular consequence: missense variant.
Genome position (GRCh38, 1-based): chr15:33,785,959, C>A. VCF-style: chr15-33785959-C-A. GRCh37 (hg19) VCF-style: chr15-34078160-C-A.
Other names: c.9566C>A, p.Ala3189Asp (NM_001243996.4); short protein forms A3189D.
Identifiers: ClinVar variation 4875127 (VCV004875127.2).

ClinVar aggregate classification (germline): Uncertain significance (1 of 4 stars; one submission).

Submission:

CeGaT Center for Human Genetics Tuebingen
Classification: Uncertain significance. Last evaluated: 2026-06-01. Review status: criteria provided, single submitter. Criteria: CeGaT Center For Human Genetics Tuebingen Variant Classification Criteria Version 2. Collection method: clinical testing. Allele origin: germline. Affected: yes. Observed: 1 variant allele.
Comment: RYR3: PM2, PP3